The following is an entry in ClinVar:

ClinVar aggregate classification (germline): Likely pathogenic (1 of 4 stars; one submission).

Allele frequency attached by ClinVar (database versions not stated): gnomAD exomes below 0.00001.
gnomAD v4.1: 7 of 1,612,132 alleles (0.00043%); highest among the groups gnomAD compares: Non-Finnish European, 0.00059%; no homozygotes.

Submission:

Labcorp Genetics (formerly Invitae), Labcorp
Classification: Likely pathogenic. Last evaluated: 2024-04-17. Review status: criteria provided, single submitter. Criteria: Invitae Variant Classification Sherloc (09022015). Collection method: clinical testing. Allele origin: germline.
Comment: This sequence change affects a donor splice site in intron 47 of the VPS13C gene. It is expected to disrupt RNA splicing. Variants that disrupt the donor or acceptor splice site typically lead to a loss of protein function (PMID: 16199547), and loss-of-function variants in VPS13C are known to be pathogenic (PMID: 26942284, 34875562). This variant is present in population databases (no rsID available, gnomAD 0.07%). This variant has not been reported in the literature in individuals affected with VPS13C-related conditions. ClinVar contains an entry for this variant (Variation ID: 2025194). Algorithms developed to predict the effect of sequence changes on RNA splicing suggest that this variant may disrupt the consensus splice site. In summary, the currently available evidence indicates that the variant is pathogenic, but additional data are needed to prove that conclusively. Therefore, this variant has been classified as Likely Pathogenic.

Literature cited by the submitters: PubMed 16199547; PubMed 26942284; PubMed 34875562.

NM_020821.3(VPS13C):c.5601+1G>C

Gene: VPS13C (vacuolar protein sorting 13 homolog C; minus strand). Cytogenetic location: 15q22.2.
Variant type: single nucleotide variant.
Coding change: c.5601+1G>C on transcript NM_020821.3 (MANE Select); the canonical splice donor site of the intron after coding-DNA position 5601, G replaced by C.
Molecular consequence: splice donor variant.
Genome position (GRCh38, 1-based): chr15:61,940,646, C>G on the plus strand (G>C on the coding strand, the complement: VPS13C is on the minus strand). VCF-style: chr15-61940646-C-G. GRCh37 (hg19) VCF-style: chr15-62232845-C-G.
Other names: c.5472+1G>C (NM_017684.5, NM_018080.4); c.5601+1G>C (NM_001018088.3).
Identifiers: ClinVar variation 2025194 (VCV002025194.4), dbSNP rs780920006, ClinGen allele CA392690079.